The following is an entry in ClinVar:

ClinVar aggregate classification (germline): Uncertain significance (1 of 4 stars; one submission).

Submission:

Labcorp Genetics (formerly Invitae), Labcorp
Classification: Uncertain significance. Last evaluated: 2023-06-29. Review status: criteria provided, single submitter. Criteria: Invitae Variant Classification Sherloc (09022015). Collection method: clinical testing. Allele origin: germline.
Comment: In summary, the available evidence is currently insufficient to determine the role of this variant in disease. Therefore, it has been classified as a Variant of Uncertain Significance. This variant has not been reported in the literature in individuals affected with DNA2-related conditions. This variant is a gross deletion of the genomic region encompassing exon(s) 6 of the DNA2 gene. This deletion is out-of-frame, and is expected to create a premature translational stop signal and result in an absent or disrupted protein product. However, the current clinical and genetic evidence is not sufficient to establish whether loss-of-function variants in DNA2 cause disease.

NC_000010.10:g.(?_70209765)_(70210024_?)del

Gene: DNA2 (DNA replication helicase/nuclease 2; minus strand). Cytogenetic location: 10q21.3.
Variant type: Deletion.
Identifiers: ClinVar variation 1511273 (VCV001511273.4).